The following is an entry in ClinVar:

ClinVar aggregate classification (germline): Uncertain significance. Review status: criteria provided, multiple submitters, no conflicts (2 of 4 stars). 4 submissions from 4 submitters: Uncertain significance (4). Last evaluated 2022-04-08.

Conditions:
Hypertrophic cardiomyopathy 15. Identifiers: MedGen C2750459, MONDO:0013200, OMIM 613255.
Dilated cardiomyopathy 1W (CMD1W). Identifiers: Orphanet 154, MedGen C1969639, MONDO:0012667, OMIM 611407.
Cardiomyopathy (CMYO). Also called: Cardiomyopathies. Identifiers: Orphanet 167848, MedGen C0878544, MONDO:0004994, HP:0001638. Inheritance: Various modes of inheritance.

Allele frequency attached by ClinVar (database versions not stated): gnomAD exomes below 0.00001 and 0.00001; ExAC 0.00001; TOPMed 0.00001.
gnomAD v4.1: 2 of 1,614,032 alleles (0.00012%); highest among the groups gnomAD compares: East Asian, 0.0045%; no homozygotes.

Submissions (4):

Fulgent Genetics
Classification: Uncertain significance for Dilated cardiomyopathy 1W; Hypertrophic cardiomyopathy 15. Last evaluated: 2022-04-08. Review status: criteria provided, single submitter. Criteria: ACMG Guidelines, 2015. Collection method: clinical testing. Allele origin: unknown.

Labcorp Genetics (formerly Invitae), Labcorp
Classification: Uncertain significance for Dilated cardiomyopathy 1W. Last evaluated: 2019-12-06. Review status: criteria provided, single submitter. Criteria: Invitae Variant Classification Sherloc (09022015). Collection method: clinical testing. Allele origin: germline.
Comment: In summary, the available evidence is currently insufficient to determine the role of this variant in disease. Therefore, it has been classified as a Variant of Uncertain Significance. The current clinical and genetic evidence is not sufficient to establish whether loss-of-function variants in VCL cause disease. This variant has been observed in individual(s) with dilated cardiomyopathy (PMID: 24503780). ClinVar contains an entry for this variant (Variation ID: 45606). This variant is present in population databases (rs397517239, ExAC 0.001%). This sequence change creates a premature translational stop signal (p.Arg105*) in the VCL gene. It is expected to result in an absent or disrupted protein product.

CHEO Genetics Diagnostic Laboratory, Children's Hospital of Eastern Ontario
Classification: Uncertain significance for Cardiomyopathy. Last evaluated: 2018-11-20. Review status: criteria provided, single submitter. Criteria: ACMG Guidelines, 2015. Collection method: clinical testing. Allele origin: germline.

Laboratory for Molecular Medicine, Mass General Brigham Personalized Medicine
Classification: Uncertain significance. Last evaluated: 2018-01-25. Review status: criteria provided, single submitter. Criteria: LMM Criteria. Collection method: clinical testing. Allele origin: germline. Observed: 2 variant alleles.
Comment: Variant classified as Uncertain Significance - Favor Pathogenic. The p.Arg105X v ariant in VCL has not been identified in individuals with cardiomyopathy, but ha s been identified in 3/246076 total chromosomes by the Genome Aggregation Databa se (gnomAD; dbSNP rs397517239). This nonsense variant leads to a premature termination codon at position 105, which is predict ed to lead to a truncated or absent protein. Animal models have shown that loss of function (LOF) of the VCL gene can impact cardiac function resulting in pheno types ranging from arrhythmia to cardiomyopathy (Zemljic-Harpf 2004; Zemljic-Har pf 2007). In summary, while there is some suspicion that LOF variants may contri bute to cardiomyopathy, the clinical significance of the p.Arg105X variant is un certain. ACMG/AMP Criteria applied: PVS1_Moderate; PM2.

Literature cited by the submitters: PubMed 24503780 (cited by Labcorp Genetics (formerly Invitae), Labcorp and Laboratory for Molecular Medicine, Mass General Brigham Personalized Medicine); PubMed 17785437 (cited by Laboratory for Molecular Medicine, Mass General Brigham Personalized Medicine); PubMed 27532257 (cited by Laboratory for Molecular Medicine, Mass General Brigham Personalized Medicine); PubMed 15331426 (cited by Laboratory for Molecular Medicine, Mass General Brigham Personalized Medicine).

NM_014000.3(VCL):c.313C>T (p.Arg105Ter)

Gene: VCL (vinculin; plus strand). Cytogenetic location: 10q22.2.
Variant type: single nucleotide variant.
Coding change: c.313C>T on transcript NM_014000.3 (MANE Select); coding-DNA position 313, C replaced by T.
Protein change: p.Arg105Ter; replaces arginine 105 with a stop codon.
Molecular consequence: nonsense.
Genome position (GRCh38, 1-based): chr10:74,070,743, C>T. VCF-style: chr10-74070743-C-T. GRCh37 (hg19) VCF-style: chr10-75830501-C-T.
Other names: c.313C>T, p.Arg105Ter (NM_003373.4); short protein forms R105*.
Identifiers: ClinVar variation 45606 (VCV000045606.17), dbSNP rs397517239, ClinGen allele CA261758.
Genomic context (GRCh38, chr10:74,070,743, plus strand): 5'-TGCACCAAGCTTGTCCAGGCAGCTCAGATGCTTCAGTCAGACCCTTACTCAGTGCCTGCT[C>T]GAGATTATCTAATTGATGGGTCAAGGGGCATCCTCTCTGGAACATCAGACCTGCTCCTTA-3'